The following is an entry in ClinVar:

ClinVar aggregate classification (germline): Pathogenic (1 of 4 stars; one submission).

Submission:

Labcorp Genetics (formerly Invitae), Labcorp
Classification: Pathogenic. Last evaluated: 2024-03-17. Review status: criteria provided, single submitter. Criteria: Invitae Variant Classification Sherloc (09022015). Collection method: clinical testing. Allele origin: germline.
Comment: This sequence change creates a premature translational stop signal (p.Ser1444Ilefs*92) in the KMT2E gene. While this is not anticipated to result in nonsense mediated decay, it is expected to disrupt the last 415 amino acid(s) of the KMT2E protein. This variant is not present in population databases (gnomAD no frequency). This variant has not been reported in the literature in individuals affected with KMT2E-related conditions. This variant disrupts a region of the KMT2E protein in which other variant(s) (p.Pro1683_Pro1694del) have been determined to be pathogenic (Invitae). This suggests that this is a clinically significant region of the protein, and that variants that disrupt it are likely to be disease-causing. For these reasons, this variant has been classified as Pathogenic.

NM_182931.3(KMT2E):c.4328dup (p.Ser1444fs)

Gene: KMT2E (lysine methyltransferase 2E (inactive); plus strand). Cytogenetic location: 7q22.3.
Variant type: Duplication.
Coding change: c.4328dup on transcript NM_182931.3 (MANE Select); coding-DNA position 4328, one base duplicated (C; older notation c.4328dupC).
Protein change: p.Ser1444fs; shifts the reading frame from serine 1444.
Molecular consequence: frameshift variant.
Genome position (GRCh38, 1-based): chr7:105,112,084, C duplicated; the last of 2 consecutive C bases (chr7:105,112,083-105,112,084); duplicating either gives the same sequence. VCF-style (leftmost placement, unchanged base first): chr7-105112082-T-TC. GRCh37 (hg19) VCF-style: chr7-104752529-T-TC.
Other names: c.4202dup, p.Ser1402fs (NM_001410908.1); c.4328dup, p.Ser1444fs (NM_018682.4); short protein forms S1402fs, S1444fs.
Identifiers: ClinVar variation 3646443 (VCV003646443.2).